The following is an entry in ClinVar:

ClinVar aggregate classification (germline): Uncertain significance (1 of 4 stars; one submission).

Conditions:
Glycogen storage disease type III (GSD3). Also called: FORBES DISEASE; Cori disease. Identifiers: Orphanet 366, MedGen C0017922, MONDO:0009291, OMIM 232400.

Submission:

Labcorp Genetics (formerly Invitae), Labcorp
Classification: Uncertain significance for Glycogen storage disease type III. Last evaluated: 2023-11-10. Review status: criteria provided, single submitter. Criteria: Invitae Variant Classification Sherloc (09022015). Collection method: clinical testing. Allele origin: germline.
Comment: This sequence change replaces leucine, which is neutral and non-polar, with glutamine, which is neutral and polar, at codon 1355 of the AGL protein (p.Leu1355Gln). This variant is not present in population databases (gnomAD no frequency). This variant has not been reported in the literature in individuals affected with AGL-related conditions. ClinVar contains an entry for this variant (Variation ID: 1426749). Advanced modeling of protein sequence and biophysical properties (such as structural, functional, and spatial information, amino acid conservation, physicochemical variation, residue mobility, and thermodynamic stability) has been performed at Invitae for this missense variant, however the output from this modeling did not meet the statistical confidence thresholds required to predict the impact of this variant on AGL protein function. In summary, the available evidence is currently insufficient to determine the role of this variant in disease. Therefore, it has been classified as a Variant of Uncertain Significance.

NM_000642.3(AGL):c.4064T>A (p.Leu1355Gln)

Gene: AGL (amylo-alpha-1,6-glucosidase and 4-alpha-glucanotransferase; plus strand). Cytogenetic location: 1p21.2.
Variant type: single nucleotide variant.
Coding change: c.4064T>A on transcript NM_000642.3 (MANE Select); coding-DNA position 4064, T replaced by A.
Protein change: p.Leu1355Gln; replaces leucine 1355 with glutamine.
Molecular consequence: missense variant.
Genome position (GRCh38, 1-based): chr1:99,913,641, T>A. VCF-style: chr1-99913641-T-A. GRCh37 (hg19) VCF-style: chr1-100379197-T-A.
Other names: c.4064T>A, p.Leu1355Gln (NM_000028.3, NM_000643.3, NM_000644.3 and 1 more transcripts); c.4016T>A, p.Leu1339Gln (NM_000646.3); c.4043T>A, p.Leu1348Gln (NM_001425326.1); c.3863T>A, p.Leu1288Gln (NM_001425327.1); c.3860T>A, p.Leu1287Gln (NM_001425328.1); c.3725T>A, p.Leu1242Gln (NM_001425329.1); c.3686T>A, p.Leu1229Gln (NM_001425332.1); short protein forms L1339Q, L1355Q, L1229Q, L1242Q, L1287Q, L1288Q, L1348Q.
Identifiers: ClinVar variation 1426749 (VCV001426749.6), dbSNP rs2100859879, ClinGen allele CA341339908.